The following is an entry in ClinVar:

ClinVar aggregate classification (germline): Uncertain significance. Review status: criteria provided, multiple submitters, no conflicts (2 of 4 stars). 2 submissions from 2 submitters: Uncertain significance (2). Last evaluated 2022-05-04.

Conditions:
Familial visceral amyloidosis, Ostertag type (AMYLD2). Also called: AMYLOIDOSIS, HEREDITARY SYSTEMIC 2; AMYLOIDOSIS VIII; Familial visceral amyloidosis; Amyloidosis, hepatic and systemic; Ostertag type amyloidosis; Hereditary Renal Amyloidosis. Identifiers: Orphanet 85450, MedGen C0268389, MONDO:0007099, OMIM 105200.
Familial dysfibrinogenemia. Also called: Dysfibrinogenemia, congenital. Identifiers: Orphanet 335, Orphanet 98881, MedGen C0272350, MONDO:0014452, OMIM 616004.
Congenital afibrinogenemia. Identifiers: Orphanet 335, Orphanet 98880, MedGen C2584774, MONDO:0008737, OMIM 202400.

Allele frequency attached by ClinVar (database versions not stated): ExAC below 0.00001; gnomAD exomes 0.00002; TOPMed 0.00002.
gnomAD v4.1: 5 of 1,556,758 alleles (0.00032%); highest among the groups gnomAD compares: Admixed American, 0.0097%; no homozygotes.

Submissions (2):

Fulgent Genetics
Classification: Uncertain significance for Familial visceral amyloidosis, Ostertag type; Congenital afibrinogenemia; Familial dysfibrinogenemia. Last evaluated: 2022-05-04. Review status: criteria provided, single submitter. Criteria: ACMG Guidelines, 2015. Collection method: clinical testing. Allele origin: unknown.

Labcorp Genetics (formerly Invitae), Labcorp
Classification: Uncertain significance. Last evaluated: 2020-10-18. Review status: criteria provided, single submitter. Criteria: Invitae Variant Classification Sherloc (09022015). Collection method: clinical testing. Allele origin: germline.
Comment: The frequency data for this variant in the population databases is considered unreliable, as metrics indicate poor data quality at this position in the ExAC database. This sequence change replaces serine with phenylalanine at codon 3 of the FGA protein (p.Ser3Phe). The serine residue is weakly conserved and there is a large physicochemical difference between serine and phenylalanine. This variant has not been reported in the literature in individuals with FGA-related conditions. In summary, the available evidence is currently insufficient to determine the role of this variant in disease. Therefore, it has been classified as a Variant of Uncertain Significance. Algorithms developed to predict the effect of missense changes on protein structure and function are either unavailable or do not agree on the potential impact of this missense change (SIFT: "Not Available"; PolyPhen-2: "Probably Damaging"; Align-GVGD: "Not Available").

NM_021871.4(FGA):c.8C>T (p.Ser3Phe)

Gene: FGA (fibrinogen alpha chain; minus strand). Cytogenetic location: 4q31.3.
Variant type: single nucleotide variant.
Coding change: c.8C>T on transcript NM_021871.4 (MANE Select); coding-DNA position 8, C replaced by T.
Protein change: p.Ser3Phe; replaces serine 3 with phenylalanine.
Molecular consequence: missense variant.
Genome position (GRCh38, 1-based): chr4:154,590,680, G>A on the plus strand (C>T on the coding strand, the complement: FGA is on the minus strand). VCF-style: chr4-154590680-G-A. GRCh37 (hg19) VCF-style: chr4-155511832-G-A.
Other names: c.8C>T, p.Ser3Phe (NM_000508.5); short protein forms S3F.
Identifiers: ClinVar variation 1035565 (VCV001035565.9), dbSNP rs771156473, ClinGen allele CA3115422.